The following is an entry in ClinVar:

ClinVar aggregate classification (germline): Uncertain significance (1 of 4 stars; one submission).

Submission:

Labcorp Genetics (formerly Invitae), Labcorp
Classification: Uncertain significance. Last evaluated: 2024-02-24. Review status: criteria provided, single submitter. Criteria: Invitae Variant Classification Sherloc (09022015). Collection method: clinical testing. Allele origin: germline.
Comment: This sequence change replaces threonine, which is neutral and polar, with lysine, which is basic and polar, at codon 1410 of the ANKRD26 protein (p.Thr1410Lys). This variant is not present in population databases (gnomAD no frequency). This variant has not been reported in the literature in individuals affected with ANKRD26-related conditions. Algorithms developed to predict the effect of missense changes on protein structure and function output the following: SIFT: "Not Available"; PolyPhen-2: "Benign"; Align-GVGD: "Not Available". The lysine amino acid residue is found in multiple mammalian species, which suggests that this missense change does not adversely affect protein function. In summary, the available evidence is currently insufficient to determine the role of this variant in disease. Therefore, it has been classified as a Variant of Uncertain Significance.

NM_014915.3(ANKRD26):c.4229C>A (p.Thr1410Lys)

Gene: ANKRD26 (ankyrin repeat domain 26; minus strand). Cytogenetic location: 10p12.1.
Variant type: single nucleotide variant.
Coding change: c.4229C>A on transcript NM_014915.3 (MANE Select); coding-DNA position 4229, C replaced by A.
Protein change: p.Thr1410Lys; replaces threonine 1410 with lysine.
Molecular consequence: missense variant.
Genome position (GRCh38, 1-based): chr10:27,017,779, G>T on the plus strand (C>A on the coding strand, the complement: ANKRD26 is on the minus strand). VCF-style: chr10-27017779-G-T. GRCh37 (hg19) VCF-style: chr10-27306708-G-T.
Other names: c.4226C>A, p.Thr1409Lys (NM_001256053.2); short protein forms T1410K, T1409K.
Identifiers: ClinVar variation 3638442 (VCV003638442.2).